The following is an entry in ClinVar:

NM_004415.4(DSP):c.4196C>T (p.Thr1399Ile)

Gene: DSP (desmoplakin; plus strand). Cytogenetic location: 6p24.3.
Variant type: single nucleotide variant.
Coding change: c.4196C>T on transcript NM_004415.4 (MANE Select); coding-DNA position 4196, C replaced by T.
Protein change: p.Thr1399Ile; replaces threonine 1399 with isoleucine.
Molecular consequence: missense variant. On other transcripts: intron variant (2).
Genome position (GRCh38, 1-based): chr6:7,580,386, C>T. VCF-style: chr6-7580386-C-T. GRCh37 (hg19) VCF-style: chr6-7580619-C-T.
Other names: c.4050+146C>T (NM_001319034.2); c.3582+614C>T (NM_001008844.3); short protein forms T1399I.
Identifiers: ClinVar variation 1738593 (VCV001738593.5), dbSNP rs1365878479, ClinGen allele CA362685769.

ClinVar aggregate classification (germline): Uncertain significance. Review status: criteria provided, multiple submitters, no conflicts (2 of 4 stars). 3 submissions from 3 submitters: Uncertain significance (3). Last evaluated 2025-05-02.

Conditions:
Arrhythmogenic cardiomyopathy with wooly hair and keratoderma. Also called: Arrhythmogenic cardiomyopathy with woolly hair and keratoderma; Dilated cardiomyopathy with woolly hair and keratoderma; PALMOPLANTAR KERATODERMA WITH LEFT VENTRICULAR CARDIOMYOPATHY AND WOOLLY HAIR; Carvajal syndrome. Identifiers: Orphanet 65282, MedGen C1854063, MONDO:0011581, OMIM 605676.
Arrhythmogenic right ventricular dysplasia 8 (ARVD8). Also called: Arrhythmogenic Right Ventricular Dysplasia/Cardiomyopathy 8; ARRHYTHMOGENIC RIGHT VENTRICULAR CARDIOMYOPATHY 8; ARRHYTHMOGENIC RIGHT VENTRICULAR DYSPLASIA, FAMILIAL, 8. Identifiers: MedGen C1843896, MONDO:0011831, OMIM 607450.
Cardiovascular phenotype. Identifiers: MedGen CN230736.

Allele frequency attached by ClinVar (database versions not stated): gnomAD exomes below 0.00001; TOPMed below 0.00001; gnomAD 0.00001.

Submissions (3):

Labcorp Genetics (formerly Invitae), Labcorp
Classification: Uncertain significance for Arrhythmogenic cardiomyopathy with wooly hair and keratoderma; Arrhythmogenic right ventricular dysplasia 8. Last evaluated: 2025-05-02. Review status: criteria provided, single submitter. Criteria: Invitae Variant Classification Sherloc (09022015). Collection method: clinical testing. Allele origin: germline.
Comment: This sequence change replaces threonine, which is neutral and polar, with isoleucine, which is neutral and non-polar, at codon 1399 of the DSP protein (p.Thr1399Ile). This variant is present in population databases (no rsID available, gnomAD 0.0009%). This variant has not been reported in the literature in individuals affected with DSP-related conditions. ClinVar contains an entry for this variant (Variation ID: 1738593). An algorithm developed to predict the effect of missense changes on protein structure and function (PolyPhen-2) suggests that this variant is likely to be tolerated. In summary, the available evidence is currently insufficient to determine the role of this variant in disease. Therefore, it has been classified as a Variant of Uncertain Significance.

All of Us Research Program, National Institutes of Health
Classification: Uncertain significance for Arrhythmogenic cardiomyopathy with wooly hair and keratoderma. Last evaluated: 2023-11-02. Review status: criteria provided, single submitter. Criteria: ACMG Guidelines, 2015. Collection method: clinical testing. Allele origin: germline. Inheritance: Autosomal dominant inheritance. Observed: 1 variant allele, 1 heterozygote.
Comment: This missense variant replaces threonine with isoleucine at codon 1399 of the DSP protein. Computational prediction suggests that this variant may not impact protein structure and function (internally defined REVEL score threshold <= 0.5, PMID: 27666373). To our knowledge, functional studies have not been reported for this variant. This variant has not been reported in individuals affected with DSP-related disorders in the literature. This variant has been identified in 1/251244 chromosomes in the general population by the Genome Aggregation Database (gnomAD). The available evidence is insufficient to determine the role of this variant in disease conclusively. Therefore, this variant is classified as a Variant of Uncertain Significance.

This study involves interpretation of variants in research participants for the purpose of population health screening. Participant phenotype was not available at the time of variant classification. Additional details can be found in publication PMID: 35346344, PMCID: PMC8962531

Ambry Genetics
Classification: Uncertain significance for Cardiovascular phenotype. Last evaluated: 2018-05-14. Review status: criteria provided, single submitter. Criteria: Ambry Variant Classification Scheme 2023. Collection method: clinical testing. Allele origin: germline.
Comment: The p.T1399I variant (also known as c.4196C>T), located in coding exon 23 of the DSP gene, results from a C to T substitution at nucleotide position 4196. The threonine at codon 1399 is replaced by isoleucine, an amino acid with similar properties. This amino acid position is not well conserved in available vertebrate species, and isoleucine is the reference amino acid in other vertebrate species. In addition, this alteration is predicted to be tolerated by in silico analysis. Since supporting evidence is limited at this time, the clinical significance of this alteration remains unclear.